The following is an entry in ClinVar:

NM_000051.4(ATM):c.7299G>A (p.Gln2433=)

Genes: C11orf65 (chromosome 11 open reading frame 65; minus strand), ATM (ATM serine/threonine kinase; plus strand). Cytogenetic location: 11q22.3.
Variant type: single nucleotide variant.
Coding change: c.7299G>A on transcript NM_000051.4 (MANE Select); coding-DNA position 7299, G replaced by A.
Protein change: p.Gln2433=; no amino-acid change (glutamine 2433 retained).
Molecular consequence: synonymous variant. On other transcripts: intron variant (2).
Genome position (GRCh38, 1-based): chr11:108,329,230, G>A. VCF-style: chr11-108329230-G-A. GRCh37 (hg19) VCF-style: chr11-108199957-G-A.
Other names: c.7299G>A, p.Gln2433= (NM_001351834.2); c.641-20159C>T (NM_001330368.2); c.*38+5990C>T (NM_001351110.2).
Identifiers: ClinVar variation 378993 (VCV000378993.17), dbSNP rs1057520451, ClinGen allele CA16606207.
Genomic context (GRCh38, chr11:108,329,230, plus strand): 5'-GCAAGCTCTCCTGAAAAGAGCCAAAGAGGAAGTAGGTCTCCTTAGGGAACATAAAATTCA[G>A]ACAAACAGGTAACTAGGTTTCTACAAGTGACAATTTTATGTTCACCAGTTAACTGAGTGA-3'
Protein context (NP_000042.3, residues 2423-2443): EVGLLREHKI[Gln2433=]TNRYTVKVQR

ClinVar aggregate classification (germline): Benign/Likely benign. Review status: criteria provided, multiple submitters, no conflicts (2 of 4 stars). 4 submissions from 4 submitters: Benign (1); Likely benign (3). Last evaluated 2025-11-30.

Conditions:
Hereditary cancer-predisposing syndrome. Also called: Neoplastic Syndromes, Hereditary; Hereditary neoplastic syndrome; Hereditary Cancer Syndrome; Tumor predisposition. Identifiers: Orphanet 140162, MedGen C0027672, MeSH D009386, MONDO:0015356.
Familial cancer of breast. Also called: hereditary breast carcinoma; Hereditary breast cancer; BREAST CANCER, FAMILIAL. Identifiers: Orphanet 227535, MedGen C0346153, MONDO:0016419, OMIM 114480. Disease mechanism: loss of function.
Ataxia-telangiectasia syndrome (AT). Also called: Ataxia-telangiectasia, complementation group D; Ataxia-telangiectasia, complementation group E; LOUIS-BAR SYNDROME; AT, COMPLEMENTATION GROUP C; ATAXIA-TELANGIECTASIA, COMPLEMENTATION GROUP A; ATAXIA-TELANGIECTASIA, FRESNO VARIANT. Identifiers: Orphanet 100, MedGen C0004135, MONDO:0008840, OMIM 208900.

Allele frequency attached by ClinVar (database versions not stated): gnomAD exomes below 0.00001 and 0.00001.
gnomAD v4.1: 6 of 1,612,254 alleles (0.00037%); highest among the groups gnomAD compares: Admixed American, 0.0017%; no homozygotes.

Submissions (4):

Labcorp Genetics (formerly Invitae), Labcorp
Classification: Likely benign for Ataxia-telangiectasia syndrome. Last evaluated: 2025-11-30. Review status: criteria provided, single submitter. Criteria: Invitae Variant Classification Sherloc (09022015). Collection method: clinical testing. Allele origin: germline.

Myriad Genetics, Inc.
Classification: Benign for Familial cancer of breast. Last evaluated: 2024-06-13. Review status: criteria provided, single submitter. Criteria: Myriad Autosomal Dominant, Autosomal Recessive and X-Linked Classification Criteria (2023). Collection method: clinical testing. Allele origin: unknown.
Comment: This variant is considered benign. This variant is a silent/synonymous amino acid change and it is not expected to impact splicing.

Ambry Genetics
Classification: Likely benign for Hereditary cancer-predisposing syndrome. Last evaluated: 2018-12-21. Review status: criteria provided, single submitter. Criteria: Ambry Variant Classification Scheme 2023. Collection method: clinical testing. Allele origin: germline.

GeneDx
Classification: Likely benign. Last evaluated: 2016-04-18. Review status: criteria provided, single submitter. Criteria: GeneDx Variant Classification (06012015). Collection method: clinical testing. Allele origin: germline. Affected: yes.
Comment: This variant is considered likely benign or benign based on one or more of the following criteria: it is a conservative change, it occurs at a poorly conserved position in the protein, it is predicted to be benign by multiple in silico algorithms, and/or has population frequency not consistent with disease.